The following is an entry in ClinVar:

ClinVar aggregate classification (germline): Uncertain significance (1 of 4 stars; one submission).

Conditions:
Inborn genetic diseases. Identifiers: MedGen C0950123, MeSH D030342.

Allele frequency attached by ClinVar (database versions not stated): gnomAD exomes below 0.00001.
gnomAD v4.1: 2 of 1,610,482 alleles (0.00012%); highest among the groups gnomAD compares: East Asian, 0.0022%; no homozygotes.

Submission:

Ambry Genetics
Classification: Uncertain significance for Inborn genetic diseases. Last evaluated: 2022-11-15. Review status: criteria provided, single submitter. Criteria: Ambry Variant Classification Scheme 2023. Collection method: clinical testing. Allele origin: germline.
Comment: The p.R796K variant (also known as c.2387G>A), located in coding exon 11 of the ATR gene, results from a G to A substitution at nucleotide position 2387. The arginine at codon 796 is replaced by lysine, an amino acid with highly similar properties. This amino acid position is conserved. In addition, this alteration is predicted to be tolerated by in silico analysis. Since supporting evidence is limited at this time, the clinical significance of this alteration remains unclear.

NM_001184.4(ATR):c.2387G>A (p.Arg796Lys)

Gene: ATR (ATR checkpoint kinase; minus strand). Cytogenetic location: 3q23.
Variant type: single nucleotide variant.
Coding change: c.2387G>A on transcript NM_001184.4 (MANE Select); coding-DNA position 2387, G replaced by A.
Protein change: p.Arg796Lys; replaces arginine 796 with lysine.
Molecular consequence: missense variant.
Genome position (GRCh38, 1-based): chr3:142,553,970, C>T on the plus strand (G>A on the coding strand, the complement: ATR is on the minus strand). VCF-style: chr3-142553970-C-T. GRCh37 (hg19) VCF-style: chr3-142272812-C-T.
Other names: c.2195G>A, p.Arg732Lys (NM_001354579.2); short protein forms R732K, R796K.
Identifiers: ClinVar variation 2453519 (VCV002453519.2), dbSNP rs2108465916, ClinGen allele CA354817122.